The following is an entry in ClinVar:

ClinVar aggregate classification (germline): Uncertain significance. Review status: criteria provided, multiple submitters, no conflicts (2 of 4 stars). 3 submissions from 3 submitters: Uncertain significance (3). Last evaluated 2025-07-23.

Conditions:
Hereditary cancer-predisposing syndrome. Also called: Hereditary neoplastic syndrome; Neoplastic Syndromes, Hereditary; Hereditary Cancer Syndrome; Tumor predisposition. Identifiers: Orphanet 140162, MedGen C0027672, MeSH D009386, MONDO:0015356.
Familial cancer of breast. Also called: Hereditary breast cancer; hereditary breast carcinoma; BREAST CANCER, FAMILIAL. Identifiers: Orphanet 227535, MedGen C0346153, MONDO:0016419, OMIM 114480. Disease mechanism: loss of function.

Submissions (3):

Labcorp Genetics (formerly Invitae), Labcorp
Classification: Uncertain significance for Familial cancer of breast. Last evaluated: 2025-07-23. Review status: criteria provided, single submitter. Criteria: Invitae Variant Classification Sherloc (09022015). Collection method: clinical testing. Allele origin: germline.
Comment: This sequence change replaces histidine, which is basic and polar, with glutamine, which is neutral and polar, at codon 483 of the CHEK2 protein (p.His483Gln). This variant is not present in population databases (gnomAD no frequency). This variant has not been reported in the literature in individuals affected with CHEK2-related conditions. ClinVar contains an entry for this variant (Variation ID: 493337). An algorithm developed to predict the effect of missense changes on protein structure and function (PolyPhen-2) suggests that this variant is likely to be disruptive. In summary, the available evidence is currently insufficient to determine the role of this variant in disease. Therefore, it has been classified as a Variant of Uncertain Significance.

Ambry Genetics
Classification: Uncertain significance for Hereditary cancer-predisposing syndrome. Last evaluated: 2023-03-06. Review status: criteria provided, single submitter. Criteria: Ambry Variant Classification Scheme 2023. Collection method: clinical testing. Allele origin: germline.
Comment: The p.H483Q variant (also known as c.1449C>G), located in coding exon 12 of the CHEK2 gene, results from a C to G substitution at nucleotide position 1449. The histidine at codon 483 is replaced by glutamine, an amino acid with highly similar properties. This amino acid position is conserved. In addition, this alteration is predicted to be deleterious by in silico analysis. Since supporting evidence is limited at this time, the clinical significance of this alteration remains unclear.

CeGaT Center for Human Genetics Tuebingen
Classification: Uncertain significance. Last evaluated: 2017-09-01. Review status: criteria provided, single submitter. Criteria: CeGaT Center For Human Genetics Tuebingen Variant Classification Criteria Version 2. Collection method: clinical testing. Allele origin: germline. Affected: yes. Observed: 1 variant allele.

NM_007194.4(CHEK2):c.1449C>G (p.His483Gln)

Gene: CHEK2 (checkpoint kinase 2; minus strand). Cytogenetic location: 22q12.1.
Variant type: single nucleotide variant.
Coding change: c.1449C>G on transcript NM_007194.4 (MANE Select); coding-DNA position 1449, C replaced by G.
Protein change: p.His483Gln; replaces histidine 483 with glutamine.
Molecular consequence: missense variant.
Genome position (GRCh38, 1-based): chr22:28,694,044, G>C on the plus strand (C>G on the coding strand, the complement: CHEK2 is on the minus strand). VCF-style: chr22-28694044-G-C. GRCh37 (hg19) VCF-style: chr22-29090032-G-C.
Other names: c.1578C>G, p.His526Gln (NM_001005735.3); c.786C>G, p.His262Gln (NM_001257387.3); c.1248C>G, p.His416Gln (NM_001349956.3); c.1362C>G, p.His454Gln (NM_145862.3); short protein forms H483Q, H416Q, H454Q, H526Q, H262Q.
Identifiers: ClinVar variation 493337 (VCV000493337.51), dbSNP rs1555913081, ClinGen allele CA411093997.
Genomic context (GRCh38, chr22:28,694,044, plus strand): 5'-CAGGGCTTCCCATGTATTTTATGCTAGCAGGCACTGTCCCACACCCACCTGAAGCCACGG[G>C]TGTCTTAAGGCTTCTTCTGTCGTAAAACGTGCCTTTGGATCCACTACCAACAACTTCTTG-3'
Protein context (NP_009125.1, residues 473-493): ARFTTEEALR[His483Gln]PWLQDEDMKR